The following is an entry in ClinVar:

ClinVar aggregate classification (germline): Likely pathogenic (1 of 4 stars; one submission).

Allele frequency attached by ClinVar (database versions not stated): gnomAD exomes below 0.00001.
gnomAD v4.1: 1 of 1,614,072 alleles (0.000062%); highest among the groups gnomAD compares: South Asian, 0.0011%; no homozygotes.

Submission:

Labcorp Genetics (formerly Invitae), Labcorp
Classification: Likely pathogenic. Last evaluated: 2023-12-14. Review status: criteria provided, single submitter. Criteria: Invitae Variant Classification Sherloc (09022015). Collection method: clinical testing. Allele origin: germline.
Comment: This sequence change affects an acceptor splice site in intron 9 of the ITGB3 gene. It is expected to disrupt RNA splicing. Variants that disrupt the donor or acceptor splice site typically lead to a loss of protein function (PMID: 16199547), and loss-of-function variants in ITGB3 are known to be pathogenic (PMID: 21917754). This variant is not present in population databases (gnomAD no frequency). This variant has not been reported in the literature in individuals affected with ITGB3-related conditions. Algorithms developed to predict the effect of sequence changes on RNA splicing suggest that this variant may disrupt the consensus splice site. In summary, the currently available evidence indicates that the variant is pathogenic, but additional data are needed to prove that conclusively. Therefore, this variant has been classified as Likely Pathogenic.

Literature cited by the submitters: PubMed 16199547; PubMed 21917754.

NM_000212.3(ITGB3):c.1261-2A>G

Genes: ITGB3 (integrin subunit beta 3; plus strand), LOC110121475 (VISTA enhancer hs2033; plus strand). Cytogenetic location: 17q21.32.
Variant type: single nucleotide variant.
Coding change: c.1261-2A>G on transcript NM_000212.3 (MANE Select); the canonical splice acceptor site of the intron before coding-DNA position 1261, A replaced by G.
Molecular consequence: splice acceptor variant.
Genome position (GRCh38, 1-based): chr17:47,292,137, A>G. VCF-style: chr17-47292137-A-G. GRCh37 (hg19) VCF-style: chr17-45369503-A-G.
Identifiers: ClinVar variation 2800357 (VCV002800357.3), dbSNP rs2547618981, ClinGen allele CA400028421.
Genomic context (GRCh38, chr17:47,292,137, plus strand): 5'-TCCAGAGCTGGAGTGTTAACTGGGCCCAACTGTGTCTAAATACAATCTTTCTTTCCATCC[A>G]GGTGAGCTTCAGCATTGAGGCCAAGGTGCGAGGCTGTCCCCAGGAGAAGGAGAAGTCCTT-3'